The following is an entry in ClinVar:

ClinVar aggregate classification (germline): Benign (1 of 4 stars; one submission).

Conditions:
Congenital myasthenic syndrome 5. Identifiers: Orphanet 590, MedGen C1864233, MONDO:0011281, OMIM 603034.

Allele frequency attached by ClinVar (database versions not stated): gnomAD exomes 0.00071; 1000 Genomes Project 0.00719; 1000 Genomes Project 30x 0.00734; gnomAD 0.00854 and 0.00917; TOPMed 0.00985.
gnomAD v4.1: 1,297 of 166,826 alleles (0.78%); highest among the groups gnomAD compares: African/African-American, 2.9%; 21 homozygotes.

Submission:

Illumina Laboratory Services, Illumina
Classification: Benign for Congenital myasthenic syndrome 5. Last evaluated: 2018-01-12. Review status: criteria provided, single submitter. Criteria: ICSL Variant Classification Criteria 13 December 2019. Collection method: clinical testing. Allele origin: germline.
Comment: This variant was observed in the ICSL laboratory as part of a predisposition screen in an ostensibly healthy population. It had not been previously curated by ICSL or reported in the Human Gene Mutation Database (HGMD: prior to June 1st, 2018), and was therefore a candidate for classification through an automated scoring system. Utilizing variant allele frequency, disease prevalence and penetrance estimates, and inheritance mode, an automated score was calculated to assess if this variant is too frequent to cause the disease. Based on the score and internal cut-off values, a variant classified as benign is not then subjected to further curation. The score for this variant resulted in a classification of benign for this disease.

NM_005677.4(COLQ):c.*492G>A

Gene: COLQ (collagen like tail subunit of asymmetric acetylcholinesterase; minus strand). Cytogenetic location: 3p25.1.
Variant type: single nucleotide variant.
Coding change: c.*492G>A on transcript NM_005677.4 (MANE Select); 492 bases downstream of the stop codon, G replaced by A.
Molecular consequence: 3 prime UTR variant.
Genome position (GRCh38, 1-based): chr3:15,451,152, C>T on the plus strand (G>A on the coding strand, the complement: COLQ is on the minus strand). VCF-style: chr3-15451152-C-T. GRCh37 (hg19) VCF-style: chr3-15492659-C-T.
Other names: c.*492G>A (NM_080538.2, NM_080539.4).
Identifiers: ClinVar variation 343836 (VCV000343836.5), dbSNP rs116231717, ClinGen allele CA10615093.